The following is an entry in ClinVar:

NM_006502.3(POLH):c.*2499G>A

Gene: POLH (DNA polymerase eta; plus strand). Cytogenetic location: 6p21.1.
Variant type: single nucleotide variant.
Coding change: c.*2499G>A on transcript NM_006502.3 (MANE Select); 2499 bases downstream of the stop codon, G replaced by A.
Molecular consequence: 3 prime UTR variant.
Genome position (GRCh38, 1-based): chr6:43,617,056, G>A. VCF-style: chr6-43617056-G-A. GRCh37 (hg19) VCF-style: chr6-43584793-G-A.
Other names: c.*2499G>A (NM_001291969.2); c.*3325G>A (NM_001291970.2).
Identifiers: ClinVar variation 909831 (VCV000909831.4), dbSNP rs147353387, ClinGen allele CA138308305.

ClinVar aggregate classification (germline): Benign (1 of 4 stars; one submission).

Conditions:
Xeroderma pigmentosum variant type. Also called: PHOTOSENSITIVITY WITH DEFECTIVE DNA SYNTHESIS; XERODERMA PIGMENTOSUM WITH NORMAL DNA REPAIR RATES; POLH-Related Xeroderma Pigmentosum. Identifiers: Orphanet 90342, MedGen C1848410, MONDO:0010214, OMIM 278750.

Allele frequency attached by ClinVar (database versions not stated): gnomAD 0.01266 and 0.01369; TOPMed 0.01501; 1000 Genomes Project 0.01597; 1000 Genomes Project 30x 0.01624.
gnomAD v4.1: 1,916 of 152,302 alleles (1.3%); highest among the groups gnomAD compares: African/African-American, 4.4%; 43 homozygotes.

Submission:

Illumina Laboratory Services, Illumina
Classification: Benign for Xeroderma pigmentosum variant type. Last evaluated: 2018-01-12. Review status: criteria provided, single submitter. Criteria: ICSL Variant Classification Criteria 13 December 2019. Collection method: clinical testing. Allele origin: germline.
Comment: This variant was observed in the ICSL laboratory as part of a predisposition screen in an ostensibly healthy population. It had not been previously curated by ICSL or reported in the Human Gene Mutation Database (HGMD: prior to June 1st, 2018), and was therefore a candidate for classification through an automated scoring system. Utilizing variant allele frequency, disease prevalence and penetrance estimates, and inheritance mode, an automated score was calculated to assess if this variant is too frequent to cause the disease. Based on the score and internal cut-off values, a variant classified as benign is not then subjected to further curation. The score for this variant resulted in a classification of benign for this disease.